The following is an entry in ClinVar:

NM_000548.5(TSC2):c.5114_5117dup (p.Asn1707fs)

Gene: TSC2 (TSC complex subunit 2; plus strand). Cytogenetic location: 16p13.3.
Variant type: Duplication.
Coding change: c.5114_5117dup on transcript NM_000548.5 (MANE Select); coding-DNA positions 5114 to 5117, 4 bases duplicated (ACCG; older notation c.5114_5117dupACCG).
Protein change: p.Asn1707fs; shifts the reading frame from asparagine 1707.
Molecular consequence: frameshift variant.
Genome position (GRCh38, 1-based): chr16:2,088,093-2,088,096, ACCG duplicated; duplicating any 4 consecutive bases within chr16:2,088,092-2,088,096 gives the same sequence; the c. name uses the placement nearest the transcript's 3' end. VCF-style (leftmost placement, unchanged base first): chr16-2088091-T-TGACC. GRCh37 (hg19) VCF-style: chr16-2138092-T-TGACC.
Other names: c.4913_4916dup, p.Asn1640fs (NM_001077183.3); c.5045_5048dup, p.Asn1684fs (NM_001114382.3); c.4805_4808dup, p.Asn1604fs (NM_001318827.2); c.4769_4772dup, p.Asn1592fs (NM_001318829.2); c.4382_4385dup, p.Asn1463fs (NM_001318831.2); c.4946_4949dup, p.Asn1651fs (NM_001318832.2); c.4916_4919dup, p.Asn1641fs (NM_001363528.2); c.4982_4985dup, p.Asn1663fs (NM_001370404.1); and 1 more; short protein forms N1663fs, N1664fs, N1707fs, N1641fs, N1651fs, N1684fs, N1463fs, N1640fs.
Identifiers: ClinVar variation 1381322 (VCV001381322.6), dbSNP rs2151621480, ClinGen allele CA2573151971.
Genomic context (GRCh38, chr16:2,088,091, plus strand): 5'-CCACCAAGTCTCCCCAGACATGGAGGGCCTTGTGGACACCAGCGTGGCCAAGATCGTGTC[T>TGACC]GACCGCAACCTGCCCTTCGTGGCCCGCCAGATGGCCCTGCACGCAAATGTGAGTGGGGGT-3'

ClinVar aggregate classification (germline): Pathogenic (1 of 4 stars; one submission).

Conditions:
Tuberous sclerosis 2 (TSC2). Identifiers: Orphanet 805, MedGen C1860707, MONDO:0013199, OMIM 613254.

Submission:

Labcorp Genetics (formerly Invitae), Labcorp
Classification: Pathogenic for Tuberous sclerosis 2. Last evaluated: 2026-01-19. Review status: criteria provided, single submitter. Criteria: Invitae Variant Classification Sherloc (09022015). Collection method: clinical testing. Allele origin: germline.
Comment: This sequence change creates a premature translational stop signal (p.Asn1707Profs*23) in the TSC2 gene. It is expected to result in an absent or disrupted protein product. Loss-of-function variants in TSC2 are known to be pathogenic (PMID: 10205261, 17304050). This variant is not present in population databases (gnomAD no frequency). This variant has not been reported in the literature in individuals affected with TSC2-related conditions. ClinVar contains an entry for this variant (Variation ID: 1381322). For these reasons, this variant has been classified as Pathogenic.

Literature cited by the submitters: PubMed 10205261; PubMed 17304050.